The following is an entry in ClinVar:

ClinVar aggregate classification (germline): Uncertain significance. Review status: criteria provided, single submitter (1 of 4 stars). 2 submissions from 2 submitters: Uncertain significance (1). 1 of the submissions does not count toward it. Last evaluated 2025-06-02.

Conditions:
PLCG2-related disorder. Also called: PLCG2-related condition.
Familial cold autoinflammatory syndrome 3 (FCAS3). Also called: ANTIBODY DEFICIENCY AND IMMUNE DYSREGULATION, PLCG2-ASSOCIATED; FAMILIAL ATYPICAL COLD URTICARIA. Identifiers: Orphanet 300359, MedGen C3280914, MONDO:0013766, OMIM 614468.

Allele frequency attached by ClinVar (database versions not stated): ExAC 0.00001; gnomAD exomes 0.00002; TOPMed 0.00003; gnomAD 0.00004; ESP Exome Variant Server 0.00008.
gnomAD v4.1: 140 of 1,613,998 alleles (0.0087%); highest among the groups gnomAD compares: Non-Finnish European, 0.011%; no homozygotes.

Submissions (2):

Labcorp Genetics (formerly Invitae), Labcorp
Classification: Uncertain significance for Familial cold autoinflammatory syndrome 3. Last evaluated: 2025-06-02. Review status: criteria provided, single submitter. Criteria: Invitae Variant Classification Sherloc (09022015). Collection method: clinical testing. Allele origin: germline.
Comment: This sequence change replaces leucine, which is neutral and non-polar, with methionine, which is neutral and non-polar, at codon 731 of the PLCG2 protein (p.Leu731Met). This variant is present in population databases (rs377095061, gnomAD 0.004%). This variant has not been reported in the literature in individuals affected with PLCG2-related conditions. ClinVar contains an entry for this variant (Variation ID: 864609). An algorithm developed to predict the effect of missense changes on protein structure and function (PolyPhen-2) suggests that this variant is likely to be disruptive. In summary, the available evidence is currently insufficient to determine the role of this variant in disease. Therefore, it has been classified as a Variant of Uncertain Significance.

PreventionGenetics, part of Exact Sciences
Classification: Uncertain significance for PLCG2-related condition. Last evaluated: 2023-12-26. Review status: no assertion criteria provided. Collection method: clinical testing. Allele origin: germline. Not counted in ClinVar's aggregate classification.
Comment: The PLCG2 c.2191C>A variant is predicted to result in the amino acid substitution p.Leu731Met. To our knowledge, this variant has not been reported in the literature. This variant is reported in 0.0044% of alleles in individuals of European (Non-Finnish) descent in gnomAD. At this time, the clinical significance of this variant is uncertain due to the absence of conclusive functional and genetic evidence.

NM_002661.5(PLCG2):c.2191C>A (p.Leu731Met)

Gene: PLCG2 (phospholipase C gamma 2; plus strand). Cytogenetic location: 16q23.3.
Variant type: single nucleotide variant.
Coding change: c.2191C>A on transcript NM_002661.5 (MANE Select); coding-DNA position 2191, C replaced by A.
Protein change: p.Leu731Met; replaces leucine 731 with methionine.
Molecular consequence: missense variant.
Genome position (GRCh38, 1-based): chr16:81,919,620, C>A. VCF-style: chr16-81919620-C-A. GRCh37 (hg19) VCF-style: chr16-81953225-C-A.
Other names: short protein forms L731M.
Identifiers: ClinVar variation 864609 (VCV000864609.9), dbSNP rs377095061, ClinGen allele CA8194111.
Genomic context (GRCh38, chr16:81,919,620, plus strand): 5'-GAGAGTCTGGTGGAGCTCGTCAGTTACTACGAGAAGCATTCACTCTACCGAAAGATGAGA[C>A]TGCGCTACCCCGTGACCCCCGAGCTCCTGGAGCGCTACAATATGGTAGGTGGTGGACTCC-3'
Protein context (NP_002652.2, residues 721-741): EKHSLYRKMR[Leu731Met]RYPVTPELLE